The following is an entry in ClinVar:

NM_003995.4(NPR2):c.2047+11C>T

Gene: NPR2 (natriuretic peptide receptor 2; plus strand). Cytogenetic location: 9p13.3.
Variant type: single nucleotide variant.
Coding change: c.2047+11C>T on transcript NM_003995.4 (MANE Select); 11 bases into the intron after coding-DNA position 2047, C replaced by T.
Molecular consequence: intron variant.
Genome position (GRCh38, 1-based): chr9:35,805,681, C>T. VCF-style: chr9-35805681-C-T. GRCh37 (hg19) VCF-style: chr9-35805678-C-T.
Other names: c.2056+11C>T (NM_001378923.1).
Identifiers: ClinVar variation 366788 (VCV000366788.12), dbSNP rs200583592, ClinGen allele CA5051877.

ClinVar aggregate classification (germline): Benign/Likely benign. Review status: criteria provided, multiple submitters, no conflicts (2 of 4 stars). 2 submissions from 2 submitters: Benign (1); Likely benign (1). Last evaluated 2026-01-08.

Conditions:
Acromesomelic dysplasia 1, Maroteaux type (AMD1). Also called: ST. HELENA DYSPLASIA; ACROMESOMELIC DYSPLASIA 1. Identifiers: Orphanet 40, MedGen C1864356, MONDO:0011275, OMIM 602875.
Tall stature-scoliosis-macrodactyly of the great toes syndrome. Also called: Epiphyseal chondrodysplasia, miura type. Identifiers: Orphanet 329191, MedGen C4014690, MONDO:0014401, OMIM 615923.

Allele frequency attached by ClinVar (database versions not stated): gnomAD 0.00002 and 0.00034; ESP Exome Variant Server 0.00008; TOPMed 0.00012; gnomAD exomes 0.00123; ExAC 0.00133; 1000 Genomes Project 30x 0.00203; 1000 Genomes Project 0.00260.
gnomAD v4.1: 874 of 1,613,690 alleles (0.054%); highest among the groups gnomAD compares: South Asian, 0.9%; 10 homozygotes.

Submissions (2):

Labcorp Genetics (formerly Invitae), Labcorp
Classification: Benign for Tall stature-scoliosis-macrodactyly of the great toes syndrome; Acromesomelic dysplasia 1, Maroteaux type. Last evaluated: 2026-01-08. Review status: criteria provided, single submitter. Criteria: Invitae Variant Classification Sherloc (09022015). Collection method: clinical testing. Allele origin: germline.

Illumina Laboratory Services, Illumina
Classification: Likely benign for Acromesomelic dysplasia 1, Maroteaux type. Last evaluated: 2018-01-13. Review status: criteria provided, single submitter. Criteria: ICSL Variant Classification Criteria 13 December 2019. Collection method: clinical testing. Allele origin: germline.
Comment: This variant was observed in the ICSL laboratory as part of a predisposition screen in an ostensibly healthy population. It had not been previously curated by ICSL or reported in the Human Gene Mutation Database (HGMD: prior to June 1st, 2018), and was therefore a candidate for classification through an automated scoring system. Utilizing variant allele frequency, disease prevalence and penetrance estimates, and inheritance mode, an automated score was calculated to assess if this variant is too frequent to cause the disease. Based on the score and internal cut-off values, a variant classified as likely benign is not then subjected to further curation. The score for this variant resulted in a classification of likely benign for this disease.